The following is an entry in ClinVar:

ClinVar aggregate classification (germline): Uncertain significance (1 of 4 stars; one submission).

Allele frequency attached by ClinVar (database versions not stated): TOPMed below 0.00001; gnomAD 0.00001.
gnomAD v4.1: 3 of 1,613,990 alleles (0.00019%); highest among the groups gnomAD compares: African/African-American, 0.004%; no homozygotes.

Submission:

Labcorp Genetics (formerly Invitae), Labcorp
Classification: Uncertain significance. Last evaluated: 2025-01-23. Review status: criteria provided, single submitter. Criteria: Invitae Variant Classification Sherloc (09022015). Collection method: clinical testing. Allele origin: germline.
Comment: This sequence change replaces leucine, which is neutral and non-polar, with valine, which is neutral and non-polar, at codon 133 of the EMC1 protein (p.Leu133Val). This variant is present in population databases (no rsID available, gnomAD 0.008%). This variant has not been reported in the literature in individuals affected with EMC1-related conditions. ClinVar contains an entry for this variant (Variation ID: 1713747). Invitae Evidence Modeling of protein sequence and biophysical properties (such as structural, functional, and spatial information, amino acid conservation, physicochemical variation, residue mobility, and thermodynamic stability) indicates that this missense variant is not expected to disrupt EMC1 protein function with a negative predictive value of 80%. In summary, the available evidence is currently insufficient to determine the role of this variant in disease. Therefore, it has been classified as a Variant of Uncertain Significance.

NM_015047.3(EMC1):c.397C>G (p.Leu133Val)

Gene: EMC1 (ER membrane protein complex subunit 1; minus strand). Cytogenetic location: 1p36.13.
Variant type: single nucleotide variant.
Coding change: c.397C>G on transcript NM_015047.3 (MANE Select); coding-DNA position 397, C replaced by G.
Protein change: p.Leu133Val; replaces leucine 133 with valine.
Molecular consequence: missense variant.
Genome position (GRCh38, 1-based): chr1:19,242,457, G>C on the plus strand (C>G on the coding strand, the complement: EMC1 is on the minus strand). VCF-style: chr1-19242457-G-C. GRCh37 (hg19) VCF-style: chr1-19568951-G-C.
Other names: c.397C>G, p.Leu133Val (NM_001271427.2, NM_001271428.2, NM_001375820.1 and 1 more transcripts); c.331C>G, p.Leu111Val (NM_001271429.2); short protein forms L111V, L133V.
Identifiers: ClinVar variation 1713747 (VCV001713747.5), dbSNP rs886228327, ClinGen allele CA338770844.
Genomic context (GRCh38, chr1:19,242,457, plus strand): 5'-GGGCAAGTGTAGTCTTCTTCAGGACTGCGATGTACCTTACAGACTCCTGCAGGCCAACCA[G>C]CCCAAGTGCCTGGAAACTGAACACAAGTACAGGTTGAGAGCAGCCCACACCTGCAGAGCC-3'
Protein context (NP_055862.1, residues 123-143): LDSGSFQALG[Leu133Val]VGLQESVRYI